The following is an entry in ClinVar:

NM_001281740.3(FHOD3):c.2840G>A (p.Gly947Glu)

Gene: FHOD3 (formin homology 2 domain containing 3; plus strand). Cytogenetic location: 18q12.2.
Variant type: single nucleotide variant.
Coding change: c.2840G>A on transcript NM_001281740.3 (MANE Select); coding-DNA position 2840, G replaced by A.
Protein change: p.Gly947Glu; replaces glycine 947 with glutamic acid.
Molecular consequence: missense variant.
Genome position (GRCh38, 1-based): chr18:36,718,138, G>A. VCF-style: chr18-36718138-G-A. GRCh37 (hg19) VCF-style: chr18-34298101-G-A.
Other names: c.2264G>A, p.Gly755Glu (NM_001281739.3); c.2315G>A, p.Gly772Glu (NM_025135.5); short protein forms G755E, G772E, G947E.
Identifiers: ClinVar variation 4988555 (VCV004988555.1).

ClinVar aggregate classification (germline): Uncertain significance (1 of 4 stars; one submission).

Conditions:
FHOD3-related disorder. Also called: FHOD3-related condition.

gnomAD v4.1: 13 of 1,605,894 alleles (0.00081%); highest among the groups gnomAD compares: African/African-American, 0.016%; no homozygotes.

Submission:

PreventionGenetics, part of Exact Sciences
Classification: Uncertain significance for FHOD3-related condition. Last evaluated: 2026-08-28. Review status: criteria provided, single submitter. Criteria: ACMG Guidelines, 2015. Collection method: clinical testing. Allele origin: germline.
Comment: The FHOD3 c.2840G>A variant is predicted to result in the amino acid substitution p.Gly947Glu. To our knowledge, this variant has not been reported in the literature. This variant is reported in 0.020% of alleles in individuals of African descent in gnomAD. Although we suspect that this variant may be benign, at this time, the clinical significance of this variant is uncertain due to the absence of conclusive functional and genetic evidence.